The following is an entry in ClinVar:

ClinVar aggregate classification (germline): Conflicting classifications of pathogenicity. Review status: criteria provided, conflicting classifications (1 of 4 stars). 4 submissions from 4 submitters: Likely pathogenic (1); Uncertain significance (2). 1 of the submissions does not count toward it. Last evaluated 2026-03-02.

Conditions:
Autosomal recessive limb-girdle muscular dystrophy type 2B (LGMDR2). Also called: MUSCULAR DYSTROPHY, LIMB-GIRDLE, TYPE 3; MUSCULAR DYSTROPHY, LIMB-GIRDLE, AUTOSOMAL RECESSIVE 2; Limb-Girdle Muscular Dystrophy Type 2B (LGMD2B); Limb-girdle muscular dystrophy, type 2B. Identifiers: Orphanet 268, MedGen C1850889, MONDO:0009676, OMIM 253601.
Neuromuscular disease caused by qualitative or quantitative defects of dysferlin. Also called: Dysferlinopathy; Qualitative or quantitative defects of dysferlin. Identifiers: Orphanet 207073, MedGen C2931687, MONDO:0016145.

Submissions (4):

GeneDx
Classification: Likely pathogenic. Last evaluated: 2026-03-02. Review status: criteria provided, single submitter. Criteria: GeneDx Variant Classification Process June 2021. Collection method: clinical testing. Allele origin: germline.
Comment: Identified in patients with limb-girdle muscluar dystrophy phenotypes without a second DYSF allele defined in the published literature (PMID: 17994539, 34559919); In-frame duplication of 4 amino acid(s) in a non-repeat region; Not observed at significant frequency in large population cohorts (gnomAD); This variant is associated with the following publications: (PMID: 24438169, 17994539, 34559919)

Labcorp Genetics (formerly Invitae), Labcorp
Classification: Uncertain significance for Neuromuscular disease caused by qualitative or quantitative defects of dysferlin. Last evaluated: 2022-06-13. Review status: criteria provided, single submitter. Criteria: Invitae Variant Classification Sherloc (09022015). Collection method: clinical testing. Allele origin: germline.
Comment: This variant, c.6154_6165dup, results in the insertion of 4 amino acid(s) of the DYSF protein (p.Ile2052_Ile2055dup), but otherwise preserves the integrity of the reading frame. This variant is present in population databases (rs770728402, gnomAD 0.01%). This variant has been observed in individual(s) with limb-girdle muscular dystrophy (PMID: 17994539). ClinVar contains an entry for this variant (Variation ID: 288182). In summary, the available evidence is currently insufficient to determine the role of this variant in disease. Therefore, it has been classified as a Variant of Uncertain Significance.

Eurofins Ntd Llc (ga)
Classification: Uncertain significance. Last evaluated: 2016-05-23. Review status: criteria provided, single submitter. Criteria: EGL Classification Definitions. Collection method: clinical testing. Allele origin: germline. Observed: 1 variant allele, 1 heterozygote.

Natera, Inc.
Classification: Uncertain significance for Limb-girdle muscular dystrophy type 2B. Last evaluated: 2020-08-18. Review status: no assertion criteria provided. Collection method: clinical testing. Allele origin: germline. Not counted in ClinVar's aggregate classification.

Literature cited by the submitters: PubMed 17994539 (cited by Labcorp Genetics (formerly Invitae), Labcorp).

NM_001130987.2(DYSF):c.6259ATCCTCTTCATC[3] (p.2087ILFI[3])

Gene: DYSF (dysferlin; plus strand). Cytogenetic location: 2p13.2.
Variant type: Microsatellite.
Coding change: c.6259ATCCTCTTCATC[3] on transcript NM_001130987.2 (MANE Select); three copies in a row of the 12-base unit ATCCTCTTCATC starting at c.6259; the reference has two copies in a row; one copy, 12 bases duplicated.
Protein change: p.2087ILFI[3].
Molecular consequence: inframe insertion.
Genome position (GRCh38, 1-based): chr2:71,682,627-71,682,638, ATCCTCTTCATC duplicated; duplicating any 12 consecutive bases within chr2:71,682,611-71,682,638 gives the same sequence; the position shown is the placement nearest the transcript's 3' end. VCF-style (leftmost placement, unchanged base first): chr2-71682610-C-CCATCATCCTCTT. GRCh37 (hg19) VCF-style: chr2-71909740-C-CCATCATCCTCTT.
Other names: c.6145ATCCTCTTCATC[3], p.2049ILFI[3] (NM_001130455.2); c.6100ATCCTCTTCATC[3], p.2034ILFI[3] (NM_001130976.2); c.6163ATCCTCTTCATC[3], p.2055ILFI[3] (NM_001130977.2); c.6205ATCCTCTTCATC[3], p.2069ILFI[3] (NM_001130978.2); c.6235ATCCTCTTCATC[3], p.2079ILFI[3] (NM_001130979.2); c.6193ATCCTCTTCATC[3], p.2065ILFI[3] (NM_001130980.2); c.6256ATCCTCTTCATC[3], p.2086ILFI[3] (NM_001130981.2); c.6238ATCCTCTTCATC[3], p.2080ILFI[3] (NM_001130982.2); and 6 more.
Identifiers: ClinVar variation 288182 (VCV000288182.15), dbSNP rs749619435, ClinGen allele CA1707656.